The following is an entry in ClinVar:

ClinVar aggregate classification (germline): Uncertain significance. Review status: criteria provided, multiple submitters, no conflicts (2 of 4 stars). 2 submissions from 2 submitters: Uncertain significance (2). Last evaluated 2025-09-24.

Conditions:
Congenital insensitivity to pain-hypohidrosis syndrome. Also called: HSAN VIII; Neuropathy, hereditary sensory and autonomic, type VIII. Identifiers: Orphanet 478664, MedGen C4225308, MONDO:0014662, OMIM 616488.
Inborn genetic diseases. Identifiers: MedGen C0950123, MeSH D030342.

Allele frequency attached by ClinVar (database versions not stated): gnomAD exomes 0.00001 and below 0.00001; TOPMed 0.00001.
gnomAD v4.1: 6 of 1,595,354 alleles (0.00038%); highest among the groups gnomAD compares: Non-Finnish European, 0.00051%; no homozygotes.

Submissions (2):

Ambry Genetics
Classification: Uncertain significance for Inborn genetic diseases. Last evaluated: 2025-09-24. Review status: criteria provided, single submitter. Criteria: Ambry Variant Classification Scheme 2023. Collection method: clinical testing. Allele origin: germline.

Labcorp Genetics (formerly Invitae), Labcorp
Classification: Uncertain significance for Congenital insensitivity to pain-hypohidrosis syndrome. Last evaluated: 2021-08-26. Review status: criteria provided, single submitter. Criteria: Invitae Variant Classification Sherloc (09022015). Collection method: clinical testing. Allele origin: germline.
Comment: This sequence change replaces asparagine with lysine at codon 277 of the PRDM12 protein (p.Asn277Lys). The asparagine residue is highly conserved and there is a moderate physicochemical difference between asparagine and lysine. This variant is not present in population databases (ExAC no frequency). This variant has not been reported in the literature in individuals affected with PRDM12-related conditions. Algorithms developed to predict the effect of missense changes on protein structure and function are either unavailable or do not agree on the potential impact of this missense change (SIFT: "Deleterious"; PolyPhen-2: "Benign"; Align-GVGD: "Class C0"). Algorithms developed to predict the effect of sequence changes on RNA splicing suggest that this variant may create or strengthen a splice site. In summary, the available evidence is currently insufficient to determine the role of this variant in disease. Therefore, it has been classified as a Variant of Uncertain Significance.

NM_021619.3(PRDM12):c.831C>G (p.Asn277Lys)

Gene: PRDM12 (PR/SET domain 12; plus strand). Cytogenetic location: 9q34.12.
Variant type: single nucleotide variant.
Coding change: c.831C>G on transcript NM_021619.3 (MANE Select); coding-DNA position 831, C replaced by G.
Protein change: p.Asn277Lys; replaces asparagine 277 with lysine.
Molecular consequence: missense variant.
Genome position (GRCh38, 1-based): chr9:130,681,396, C>G. VCF-style: chr9-130681396-C-G. GRCh37 (hg19) VCF-style: chr9-133556783-C-G.
Other names: short protein forms N277K.
Identifiers: ClinVar variation 572393 (VCV000572393.7), dbSNP rs995100590, ClinGen allele CA200624713.